The following is an entry in ClinVar:

NM_194248.3(OTOF):c.1579+1G>A

Gene: OTOF (otoferlin; minus strand). Cytogenetic location: 2p23.3.
Variant type: single nucleotide variant.
Coding change: c.1579+1G>A on transcript NM_194248.3 (MANE Select); the canonical splice donor site of the intron after coding-DNA position 1579, G replaced by A.
Molecular consequence: splice donor variant.
Genome position (GRCh38, 1-based): chr2:26,482,405, C>T on the plus strand (G>A on the coding strand, the complement: OTOF is on the minus strand). VCF-style: chr2-26482405-C-T. GRCh37 (hg19) VCF-style: chr2-26705273-C-T.
Other names: c.1579+1G>A (NM_001287489.2).
Identifiers: ClinVar variation 3339665 (VCV003339665.1).

ClinVar aggregate classification (germline): Likely pathogenic (1 of 4 stars; one submission).

Conditions:
Nonsyndromic genetic hearing loss. Also called: Non-syndromic genetic deafness; Nonsyndromic hearing loss and deafness; Nonsyndromic genetic deafness. Identifiers: Orphanet 87884, MedGen C5680182, MONDO:0019497.

gnomAD v4.1: 2 of 1,613,110 alleles (0.00012%); highest among the groups gnomAD compares: Non-Finnish European, 0.00017%; no homozygotes.

Submission:

Women's Health and Genetics/Laboratory Corporation of America, LabCorp
Classification: Likely pathogenic for Nonsyndromic genetic hearing loss. Last evaluated: 2024-06-10. Review status: criteria provided, single submitter. Criteria: LabCorp Variant Classification Summary - May 2015. Collection method: clinical testing. Allele origin: germline.
Comment: Variant summary: OTOF c.1579+1G>A is located in a canonical splice-site and is predicted to affect mRNA splicing resulting in a significantly altered protein due to either exon skipping, shortening, or inclusion of intronic material. Several computational tools predict a significant impact on normal splicing: Four predict the variant abolishes the canonical 5' splicing donor site. However, these predictions have yet to be confirmed by functional studies. The variant was absent in 250586 control chromosomes. To our knowledge, no occurrence of c.1579+1G>A in individuals affected with Nonsyndromic Hearing Loss And Deafness, Type 9 and no experimental evidence demonstrating its impact on protein function have been reported. No submitters have cited clinical-significance assessments for this variant to ClinVar. Based on the evidence outlined above, the variant was classified as likely pathogenic.